The following is an entry in ClinVar:

NM_000282.4(PCCA):c.2134_2137dup (p.Gln713fs)

Gene: PCCA (propionyl-CoA carboxylase subunit alpha; plus strand). Cytogenetic location: 13q32.3.
Variant type: Duplication.
Coding change: c.2134_2137dup on transcript NM_000282.4 (MANE Select); coding-DNA positions 2134 to 2137, 4 bases duplicated (TGTC; older notation c.2134_2137dupTGTC).
Protein change: p.Gln713fs; shifts the reading frame from glutamine 713.
Molecular consequence: frameshift variant. On other transcripts: non-coding transcript variant (5).
Genome position (GRCh38, 1-based): chr13:100,530,113-100,530,116, TGTC duplicated; duplicating any 4 consecutive bases within chr13:100,530,112-100,530,116 gives the same sequence; the c. name uses the placement nearest the transcript's 3' end. VCF-style (leftmost placement, unchanged base first): chr13-100530111-A-ACTGT. GRCh37 (hg19) VCF-style: chr13-101182365-A-ACTGT.
Other names: c.2080_2083dup, p.Gln695fs (NM_001352605.2); c.1990_1993dup, p.Gln665fs (NM_001352606.2); c.1915_1918dup, p.Gln640fs (NM_001352607.2); c.1912_1915dup, p.Gln639fs (NM_001352608.2); c.1189_1192dup, p.Gln398fs (NM_001352610.2); c.1135_1138dup, p.Gln380fs (NM_001352611.2); c.1045_1048dup, p.Gln350fs (NM_001352612.2); c.2056_2059dup, p.Gln687fs (NM_001127692.3); and 1 more; short protein forms Q350fs, Q380fs, Q398fs, Q639fs, Q640fs, Q665fs, Q666fs, Q687fs.
Identifiers: ClinVar variation 4886340 (VCV004886340.2).

ClinVar aggregate classification (germline): Uncertain significance (1 of 4 stars; one submission).

Submission:

Dasa
Classification: Uncertain significance. Last evaluated: 2025-01-13. Review status: criteria provided, single submitter. Criteria: DASA Assertion Criteria. Collection method: clinical testing. Allele origin: germline.
Comment: NM_000282.4(PCCA):c.2134_2137dup (p.Gln713Leufs*22) is a frameshift variant in PCCA predicted to alter the reading frame and introduce a premature termination codon and is predicted to result in an absent or altered protein product. This variant is absent from population databases. The currently available literature and clinical evidence are not sufficient to establish a definitive association between this variant and the reported condition. Therefore, this variant is classified as a variant of uncertain significance.